The following is an entry in ClinVar:

NM_170606.3(KMT2C):c.1736-12T>C

Gene: KMT2C (lysine methyltransferase 2C; minus strand). Cytogenetic location: 7q36.1.
Variant type: single nucleotide variant.
Coding change: c.1736-12T>C on transcript NM_170606.3 (MANE Select); 12 bases into the intron before coding-DNA position 1736, T replaced by C.
Molecular consequence: intron variant.
Genome position (GRCh38, 1-based): chr7:152,249,965, A>G on the plus strand (T>C on the coding strand, the complement: KMT2C is on the minus strand). VCF-style: chr7-152249965-A-G. GRCh37 (hg19) VCF-style: chr7-151947050-A-G.
Identifiers: ClinVar variation 3765861 (VCV003765861.1).

ClinVar aggregate classification (germline): Uncertain significance (1 of 4 stars; one submission).

Submission:

Greenwood Genetic Center Diagnostic Laboratories, Greenwood Genetic Center
Classification: Uncertain significance. Last evaluated: 2024-07-23. Review status: criteria provided, single submitter. Criteria: ACMG Guidelines, 2015. Collection method: clinical testing. Allele origin: germline. Affected: yes.
Comment: PM2, BP4